The following is an entry in ClinVar:

ClinVar aggregate classification (germline): Likely benign (1 of 4 stars; one submission).

Allele frequency attached by ClinVar (database versions not stated): gnomAD 0.00618; gnomAD exomes 0.00764.
gnomAD v4.1: 8,246 of 1,094,402 alleles (0.75%); highest among the groups gnomAD compares: Non-Finnish European, 0.87%; 2,297 homozygotes.

Submission:

CeGaT Center for Human Genetics Tuebingen
Classification: Likely benign. Last evaluated: 2025-10-01. Review status: criteria provided, single submitter. Criteria: CeGaT Center For Human Genetics Tuebingen Variant Classification Criteria Version 2. Collection method: clinical testing. Allele origin: germline. Affected: yes. Observed: 4 variant alleles.
Comment: MUC12: BP4, BS2

NM_001164462.2(MUC12):c.12211A>T (p.Thr4071Ser)

Gene: MUC12 (mucin 12, cell surface associated; plus strand). Cytogenetic location: 7q22.1.
Variant type: single nucleotide variant.
Coding change: c.12211A>T on transcript NM_001164462.2 (MANE Select); coding-DNA position 12211, A replaced by T.
Protein change: p.Thr4071Ser; replaces threonine 4071 with serine.
Molecular consequence: missense variant.
Genome position (GRCh38, 1-based): chr7:101,002,774, A>T. VCF-style: chr7-101002774-A-T. GRCh37 (hg19) VCF-style: chr7-100646055-A-T.
Other names: short protein forms T4071S.
Identifiers: ClinVar variation 3067233 (VCV003067233.21), dbSNP rs147239420, ClinGen allele CA4400126.